The following is an entry in ClinVar:

ClinVar aggregate classification (germline): Uncertain significance (1 of 4 stars; one submission).

Submission:

Labcorp Genetics (formerly Invitae), Labcorp
Classification: Uncertain significance. Last evaluated: 2022-03-31. Review status: criteria provided, single submitter. Criteria: Invitae Variant Classification Sherloc (09022015). Collection method: clinical testing. Allele origin: germline.
Comment: In summary, the available evidence is currently insufficient to determine the role of this variant in disease. Therefore, it has been classified as a Variant of Uncertain Significance. Algorithms developed to predict the effect of missense changes on protein structure and function output the following: SIFT: "Tolerated"; PolyPhen-2: "Benign"; Align-GVGD: "Class C0". The threonine amino acid residue is found in multiple mammalian species, which suggests that this missense change does not adversely affect protein function. This variant has not been reported in the literature in individuals affected with KPNA7-related conditions. This variant is not present in population databases (gnomAD no frequency). This sequence change replaces alanine, which is neutral and non-polar, with threonine, which is neutral and polar, at codon 63 of the KPNA7 protein (p.Ala63Thr).

NM_001145715.3(KPNA7):c.187G>A (p.Ala63Thr)

Gene: KPNA7 (karyopherin subunit alpha 7; minus strand). Cytogenetic location: 7q22.1.
Variant type: single nucleotide variant.
Coding change: c.187G>A on transcript NM_001145715.3 (MANE Select); coding-DNA position 187, G replaced by A.
Protein change: p.Ala63Thr; replaces alanine 63 with threonine.
Molecular consequence: missense variant.
Genome position (GRCh38, 1-based): chr7:99,203,120, C>T on the plus strand (G>A on the coding strand, the complement: KPNA7 is on the minus strand). VCF-style: chr7-99203120-C-T. GRCh37 (hg19) VCF-style: chr7-98800743-C-T.
Other names: short protein forms A63T.
Identifiers: ClinVar variation 1419272 (VCV001419272.8), dbSNP rs2150769055, ClinGen allele CA368421122.
Genomic context (GRCh38, chr7:99,203,120, plus strand): 5'-TAAGAACATATTTTGCCCAAGACTACTCTAAACACTACATACTGACCGCCACCCCTTTGG[C>T]TGTTTTTTCAGAAGGTGTGTCAGGGCAGAAGCTCGTGATATTCCTTCTCTTTAAGGTCTG-3'
Protein context (NP_001139187.1, residues 53-73): FCPDTPSEKT[Ala63Thr]KGVAVSLTLG